The following is an entry in ClinVar:

NM_016103.4(SAR1B):c.178A>G (p.Thr60Ala)

Gene: SAR1B (secretion associated Ras related GTPase 1B; minus strand). Cytogenetic location: 5q31.1.
Variant type: single nucleotide variant.
Coding change: c.178A>G on transcript NM_016103.4 (MANE Select); coding-DNA position 178, A replaced by G.
Protein change: p.Thr60Ala; replaces threonine 60 with alanine.
Molecular consequence: missense variant.
Genome position (GRCh38, 1-based): chr5:134,620,933, T>C on the plus strand (A>G on the coding strand, the complement: SAR1B is on the minus strand). VCF-style: chr5-134620933-T-C. GRCh37 (hg19) VCF-style: chr5-133956623-T-C.
Other names: c.178A>G, p.Thr60Ala (NM_001033503.3); short protein forms T60A.
Identifiers: ClinVar variation 1352965 (VCV001352965.6), dbSNP rs780525862, ClinGen allele CA3414545.

ClinVar aggregate classification (germline): Uncertain significance (1 of 4 stars; one submission).

Allele frequency attached by ClinVar (database versions not stated): gnomAD exomes 0.00001 and 0.00002; ExAC 0.00002.
gnomAD v4.1: 4 of 1,613,912 alleles (0.00025%); highest among the groups gnomAD compares: Admixed American, 0.0067%; no homozygotes.

Submission:

Labcorp Genetics (formerly Invitae), Labcorp
Classification: Uncertain significance. Last evaluated: 2021-10-27. Review status: criteria provided, single submitter. Criteria: Invitae Variant Classification Sherloc (09022015). Collection method: clinical testing. Allele origin: germline.
Comment: In summary, the available evidence is currently insufficient to determine the role of this variant in disease. Therefore, it has been classified as a Variant of Uncertain Significance. Algorithms developed to predict the effect of sequence changes on RNA splicing suggest that this variant may create or strengthen a splice site. Algorithms developed to predict the effect of missense changes on protein structure and function are either unavailable or do not agree on the potential impact of this missense change (SIFT: "Deleterious"; PolyPhen-2: "Benign"; Align-GVGD: "Class C55"). This variant has not been reported in the literature in individuals affected with SAR1B-related conditions. This variant is present in population databases (rs780525862, gnomAD 0.01%). This sequence change replaces threonine, a(n) neutral and polar amino acid, with alanine, a(n) neutral and non-polar amino acid, at codon 60 of the SAR1B protein (p.Thr60Ala).